The following is an entry in ClinVar:

ClinVar aggregate classification (germline): Conflicting classifications of pathogenicity. Review status: criteria provided, conflicting classifications (1 of 4 stars). 3 submissions from 3 submitters: Uncertain significance (1); Benign (1); Likely benign (1). Last evaluated 2026-05-27.

Conditions:
Hereditary cancer-predisposing syndrome. Also called: Hereditary Cancer Syndrome; Tumor predisposition; Hereditary neoplastic syndrome; Neoplastic Syndromes, Hereditary. Identifiers: Orphanet 140162, MedGen C0027672, MeSH D009386, MONDO:0015356.
Peutz-Jeghers syndrome (PJS). Also called: POLYPOSIS, HAMARTOMATOUS INTESTINAL; POLYPS-AND-SPOTS SYNDROME; Peutz-Jeghers polyposis; Periorificial lentiginosis syndrome. Identifiers: Orphanet 2869, MedGen C0031269, MeSH D010580, MONDO:0008280, OMIM 175200.

Allele frequency attached by ClinVar (database versions not stated): gnomAD exomes below 0.00001.
gnomAD v4.1: 4 of 1,578,342 alleles (0.00025%); highest among the groups gnomAD compares: Non-Finnish European, 0.00034%; no homozygotes.

Submissions (3):

Ambry Genetics
Classification: Uncertain significance for Hereditary cancer-predisposing syndrome. Last evaluated: 2026-05-27. Review status: criteria provided, single submitter. Criteria: Ambry Variant Classification Scheme 2023. Collection method: clinical testing. Allele origin: germline.
Comment: The c.450G>A variant (also known as p.V150V), located in coding exon 3 of the STK11 gene, results from a G to A substitution at nucleotide position 450. This nucleotide substitution does not change the amino acid at codon 150. This nucleotide position is not well conserved in available vertebrate species. In silico splice site analysis predicts that this alteration may result in the creation or strengthening of a novel splice donor site. Based on the available evidence, the clinical significance of this variant remains unclear.

Labcorp Genetics (formerly Invitae), Labcorp
Classification: Likely benign for Peutz-Jeghers syndrome. Last evaluated: 2025-04-16. Review status: criteria provided, single submitter. Criteria: Invitae Variant Classification Sherloc (09022015). Collection method: clinical testing. Allele origin: germline.

Myriad Genetics, Inc.
Classification: Benign for Peutz-Jeghers syndrome. Last evaluated: 2025-03-26. Review status: criteria provided, single submitter. Criteria: Myriad Autosomal Dominant, Autosomal Recessive and X-Linked Classification Criteria (2023). Collection method: clinical testing. Allele origin: unknown.
Comment: This variant is considered benign. This variant is a silent/synonymous amino acid change and it is not expected to impact splicing.

NM_000455.5(STK11):c.450G>A (p.Val150=)

Gene: STK11 (serine/threonine kinase 11; plus strand). Cytogenetic location: 19p13.3.
Variant type: single nucleotide variant.
Coding change: c.450G>A on transcript NM_000455.5 (MANE Select); coding-DNA position 450, G replaced by A.
Protein change: p.Val150=; no amino-acid change (valine 150 retained).
Molecular consequence: synonymous variant.
Genome position (GRCh38, 1-based): chr19:1,219,399, G>A. VCF-style: chr19-1219399-G-A. GRCh37 (hg19) VCF-style: chr19-1219398-G-A.
Identifiers: ClinVar variation 458046 (VCV000458046.10), dbSNP rs1555737821, ClinGen allele CA504706618.